The following is an entry in ClinVar:

ClinVar aggregate classification (germline): Uncertain significance (1 of 4 stars; one submission).

Conditions:
Paroxysmal nonkinesigenic dyskinesia. Also called: Paroxysmal non-kinesigenic dyskinesia. Identifiers: Orphanet 98810, MedGen C1869117, MONDO:0700088.

gnomAD v4.1: 1 of 1,592,960 alleles (0.000063%); highest among the groups gnomAD compares: Non-Finnish European, 0.000085%; no homozygotes.

Submission:

Labcorp Genetics (formerly Invitae), Labcorp
Classification: Uncertain significance for Paroxysmal nonkinesigenic dyskinesia. Last evaluated: 2023-05-04. Review status: criteria provided, single submitter. Criteria: Invitae Variant Classification Sherloc (09022015). Collection method: clinical testing. Allele origin: germline.
Comment: This sequence change replaces arginine, which is basic and polar, with glycine, which is neutral and non-polar, at codon 311 of the PNKD protein (p.Arg311Gly). This variant is not present in population databases (gnomAD no frequency). This variant has not been reported in the literature in individuals affected with PNKD-related conditions. Advanced modeling of protein sequence and biophysical properties (such as structural, functional, and spatial information, amino acid conservation, physicochemical variation, residue mobility, and thermodynamic stability) performed at Invitae indicates that this missense variant is not expected to disrupt PNKD protein function. In summary, the available evidence is currently insufficient to determine the role of this variant in disease. Therefore, it has been classified as a Variant of Uncertain Significance.

NM_015488.5(PNKD):c.931C>G (p.Arg311Gly)

Genes: PNKD (PNKD metallo-beta-lactamase domain containing; plus strand), CATIP-AS2 (CATIP antisense RNA 2; minus strand). Cytogenetic location: 2q35.
Variant type: single nucleotide variant.
Coding change: c.931C>G on transcript NM_015488.5 (MANE Select); coding-DNA position 931, C replaced by G.
Protein change: p.Arg311Gly; replaces arginine 311 with glycine.
Molecular consequence: missense variant.
Genome position (GRCh38, 1-based): chr2:218,344,517, C>G. VCF-style: chr2-218344517-C-G. GRCh37 (hg19) VCF-style: chr2-219209240-C-G.
Other names: c.859C>G, p.Arg287Gly (NM_022572.5); short protein forms R311G, R287G.
Identifiers: ClinVar variation 2724008 (VCV002724008.3), dbSNP rs761896240, ClinGen allele CA350542823.